The following is an entry in ClinVar:

NM_007294.4(BRCA1):c.240T>G (p.Ser80Arg)

Gene: BRCA1 (BRCA1 DNA repair associated; minus strand). Cytogenetic location: 17q21.31.
Variant type: single nucleotide variant.
Coding change: c.240T>G on transcript NM_007294.4 (MANE Select); coding-DNA position 240, T replaced by G.
Protein change: p.Ser80Arg; replaces serine 80 with arginine.
Molecular consequence: missense variant. On other transcripts: non-coding transcript variant (1).
Genome position (GRCh38, 1-based): chr17:43,104,929, A>C on the plus strand (T>G on the coding strand, the complement: BRCA1 is on the minus strand). VCF-style: chr17-43104929-A-C. GRCh37 (hg19) VCF-style: chr17-41256946-A-C.
Other names: c.30T>G, p.Ser10Arg (NM_001407571.1, NM_001407853.1, NM_001407879.1 and 58 more transcripts); c.240T>G, p.Ser80Arg (NM_001407581.1, NM_001407582.1, NM_001407583.1 and 168 more transcripts); c.162T>G, p.Ser54Arg (NM_001407653.1, NM_001407654.1, NM_001407655.1 and 21 more transcripts); c.99T>G, p.Ser33Arg (NM_001407692.1, NM_001407694.1, NM_001407695.1 and 99 more transcripts); c.-142T>G (NM_001407959.1, NM_001407960.1, NM_001407962.1 and 4 more transcripts); c.108T>G, p.Ser36Arg (NM_001408451.1); short protein forms S33R, S80R, S36R, S10R, S54R.
Identifiers: ClinVar variation 865597 (VCV000865597.7), dbSNP rs2054689945, ClinGen allele CA10601676.
Genomic context (GRCh38, chr17:43,104,929, plus strand): 5'-CTCCAAACCTGTGTCAAGCTGAAAAGCACAAATGATTTTCAATAGCTCTTCAACAAGTTG[A>C]CTAAATCTCGTACTTTCTTGTAGGCTCCTGAAATTAAATTGTTTGAGAAACACACTCAGC-3'
Protein context (NP_009225.1, residues 70-90): KRSLQESTRF[Ser80Arg]QLVEELLKII

ClinVar aggregate classification (germline): Conflicting classifications of pathogenicity. Review status: criteria provided, conflicting classifications (1 of 4 stars). 2 submissions from 2 submitters: Uncertain significance (1); Likely benign (1). Last evaluated 2024-10-15.

Conditions:
Hereditary breast ovarian cancer syndrome. Also called: Hereditary breast and/or ovarian cancer syndrome; BRCA1- and BRCA2-Associated Hereditary Breast and Ovarian Cancer; Hereditary breast and ovarian cancer syndrome; Hereditary breast and ovarian cancer; Hereditary breast and ovarian cancer syndrome (HBOC); Breast and ovarian cancer. Identifiers: Orphanet 145, MedGen C0677776, MeSH D061325, MONDO:0003582. Disease mechanism: loss of function.
Hereditary cancer-predisposing syndrome. Also called: Tumor predisposition; Hereditary Cancer Syndrome; Hereditary neoplastic syndrome; Neoplastic Syndromes, Hereditary. Identifiers: Orphanet 140162, MedGen C0027672, MeSH D009386, MONDO:0015356.

Submissions (3):

Ambry Genetics
Classification: Likely benign for Hereditary cancer-predisposing syndrome. Last evaluated: 2024-10-15. Review status: criteria provided, single submitter. Criteria: Ambry Variant Classification Scheme 2023. Collection method: clinical testing. Allele origin: germline.

Labcorp Genetics (formerly Invitae), Labcorp
Classification: Uncertain significance for Hereditary breast ovarian cancer syndrome. Last evaluated: 2024-01-03. Review status: criteria provided, single submitter. Criteria: Invitae Variant Classification Sherloc (09022015). Collection method: clinical testing. Allele origin: germline.
Comment: This sequence change replaces serine, which is neutral and polar, with arginine, which is basic and polar, at codon 80 of the BRCA1 protein (p.Ser80Arg). This variant is not present in population databases (gnomAD no frequency). This variant has not been reported in the literature in individuals affected with BRCA1-related conditions. ClinVar contains an entry for this variant (Variation ID: 865597). Advanced modeling performed at Invitae incorporating data from internal and/or published experimental studies (PMID: 30209399) did not meet the statistical confidence thresholds required to predict the impact of this variant on BRCA1 function. In summary, the available evidence is currently insufficient to determine the role of this variant in disease. Therefore, it has been classified as a Variant of Uncertain Significance.

Brotman Baty Institute, University of Washington
No classification provided (evidence only). Condition: Breast-ovarian cancer, familial 1. Review status: no classification provided. Collection method: in vitro. Allele origin: not applicable. Functional consequence: functionally_normal. Not counted in ClinVar's aggregate classification.
ClinVar note: "not provided" was previously submitted as the classification for the variant. However, the classification appeared to be based only on an observation of functional data so it was converted to no classification on 2025-07-30.

Literature cited by the submitters: PubMed 30209399 (cited by Ambry Genetics and Labcorp Genetics (formerly Invitae), Labcorp).